The following is an entry in ClinVar:

NM_152703.5(SAMD9L):c.3431T>C (p.Ile1144Thr)

Gene: SAMD9L (sterile alpha motif domain containing 9 like; minus strand). Cytogenetic location: 7q21.2.
Variant type: single nucleotide variant.
Coding change: c.3431T>C on transcript NM_152703.5 (MANE Select); coding-DNA position 3431, T replaced by C.
Protein change: p.Ile1144Thr; replaces isoleucine 1144 with threonine.
Molecular consequence: missense variant.
Genome position (GRCh38, 1-based): chr7:93,132,541, A>G on the plus strand (T>C on the coding strand, the complement: SAMD9L is on the minus strand). VCF-style: chr7-93132541-A-G. GRCh37 (hg19) VCF-style: chr7-92761854-A-G.
Other names: c.3431T>C, p.Ile1144Thr (NM_001303500.3, NM_001350082.2, NM_001350083.2 and 5 more transcripts); short protein forms I1144T.
Identifiers: ClinVar variation 4863962 (VCV004863962.1).
Genomic context (GRCh38, chr7:93,132,541, plus strand): 5'-TTGAAAGCTCTTGAGGCTTTTTCCGCAGCTTCTAGGAGATGTGTTAGGTCATTAACAGTA[A>G]TGCTCCTACAGTTTTTGTTCCCATCCAACCACCATTTGATTTCACTTTTGTAGACTTGAC-3'
Protein context (NP_689916.2, residues 1134-1154): WLDGNKNCRS[Ile1144Thr]TVNDLTHLLE

ClinVar aggregate classification (germline): Uncertain significance (1 of 4 stars; one submission).

Conditions:
Inborn genetic diseases. Identifiers: MedGen C0950123, MeSH D030342.

Submission:

Ambry Genetics
Classification: Uncertain significance for Inborn genetic diseases. Last evaluated: 2026-04-24. Review status: criteria provided, single submitter. Criteria: Ambry Variant Classification Scheme 2023. Collection method: clinical testing. Allele origin: germline.
Comment: The p.I1144T variant (also known as c.3431T>C), located in coding exon 1 of the SAMD9L gene, results from a T to C substitution at nucleotide position 3431. The isoleucine at codon 1144 is replaced by threonine, an amino acid with similar properties. This amino acid position is conserved. In addition, this alteration is predicted to be tolerated by in silico analysis. Based on the available evidence, the clinical significance of this variant remains unclear.